The following is an entry in ClinVar:

NM_014285.7(EXOSC2):c.361-14T>G

Genes: EXOSC2 (exosome component 2; plus strand), LOC130002816 (ATAC-STARR-seq lymphoblastoid active region 29157; plus strand). Cytogenetic location: 9q34.12.
Variant type: single nucleotide variant.
Coding change: c.361-14T>G on transcript NM_014285.7 (MANE Select); 14 bases into the intron before coding-DNA position 361, T replaced by G.
Molecular consequence: intron variant.
Genome position (GRCh38, 1-based): chr9:130,699,315, T>G. VCF-style: chr9-130699315-T-G. GRCh37 (hg19) VCF-style: chr9-133574702-T-G.
Other names: c.361-14T>G (NM_001282708.1); c.271-14T>G (NM_001282709.1).
Identifiers: ClinVar variation 5018660 (VCV005018660.2).
Genomic context (GRCh38, chr9:130,699,315, plus strand): 5'-GGAAGTGAAAGAGAAGTGATGGAGACCTTTCTGAGGATCTGGCTTAAGTAATGTCATTTC[T>G]TTGTGTATTTCAGAGGAGAAGATCTGCAGAAGATGAGCTTGCAATGAGAGGTTTCTTACA-3'

ClinVar aggregate classification (germline): Uncertain significance (1 of 4 stars; one submission).

Conditions:
Retinitis pigmentosa-hearing loss-premature aging-short stature-facial dysmorphism syndrome. Also called: Short stature, hearing loss, retinitis pigmentosa, and distinctive facies. Identifiers: Orphanet 494439, MedGen C4540367, MONDO:0044634, OMIM 617763.

Submission:

Juno Genomics, Hangzhou Juno Genomics, Inc
Classification: Uncertain significance for Retinitis pigmentosa-hearing loss-premature aging-short stature-facial dysmorphism syndrome. Review status: criteria provided, single submitter. Criteria: ACMG Guidelines, 2015. Collection method: clinical testing. Allele origin: germline.
Comment: Absent from controls (or at extremely low frequency if recessive) in Genome Aggregation Database.;Multiple lines of computational evidence support a deleterious effect on the gene or gene product.